The following is an entry in ClinVar:

NM_213655.5(WNK1):c.2673_2674del (p.Ala891_Ser892insTer)

Gene: WNK1 (WNK lysine deficient protein kinase 1; plus strand). Cytogenetic location: 12p13.33.
Variant type: Deletion.
Coding change: c.2673_2674del on transcript NM_213655.5 (MANE Plus Clinical); coding-DNA positions 2673 to 2674, 2 bases deleted (CA; older notation c.2673_2674delCA).
Protein change: p.Ala891_Ser892insTer.
Molecular consequence: frameshift variant. On other transcripts: intron variant (2).
Genome position (GRCh38, 1-based): chr12:868,144-868,145, CA deleted. VCF-style (leftmost placement, unchanged base first): chr12-868143-CCA-C. GRCh37 (hg19) VCF-style: chr12-977309-CCA-C.
Other names: c.2418_2419del, p.Ala806_Ser807insTer (NM_001184985.2); c.2140-3121_2140-3120del (NM_018979.4, NM_014823.3).
Identifiers: ClinVar variation 1794570 (VCV001794570.2), dbSNP rs2548786346, ClinGen allele CA2580086219.

ClinVar aggregate classification (germline): Pathogenic (1 of 4 stars; one submission).

Conditions:
Inborn genetic diseases. Identifiers: MedGen C0950123, MeSH D030342.

Submission:

Ambry Genetics
Classification: Pathogenic for Inborn genetic diseases. Last evaluated: 2019-11-14. Review status: criteria provided, single submitter. Criteria: Ambry Variant Classification Scheme 2023. Collection method: clinical testing. Allele origin: germline.
Comment: The c.2673_2674delCA pathogenic mutation, located in coding exon 10 of the WNK1 gene, results from a deletion of two nucleotides at nucleotide positions 2673 to 2674, causing a translational frameshift with a predicted alternate stop codon (p.S892*). This alteration is expected to result in loss of function by premature protein truncation or nonsense-mediated mRNA decay. As such, this alteration is interpreted as a disease-causing mutation.